The following is an entry in ClinVar:

NM_000268.4(NF2):c.-1C>T

Gene: NF2 (NF2, moesin-ezrin-radixin like (MERLIN) tumor suppressor; plus strand). Cytogenetic location: 22q12.2.
Variant type: single nucleotide variant.
Coding change: c.-1C>T on transcript NM_000268.4 (MANE Select); 1 bases upstream of the start codon, C replaced by T.
Molecular consequence: 5 prime UTR variant. On other transcripts: non-coding transcript variant (1).
Genome position (GRCh38, 1-based): chr22:29,603,998, C>T. VCF-style: chr22-29603998-C-T. GRCh37 (hg19) VCF-style: chr22-29999987-C-T.
Other names: c.-231C>T (NM_001407053.1, NM_001407056.1); c.-1C>T (NM_001407054.1, NM_001407055.1, NM_001407057.1 and 15 more transcripts); c.-641C>T (NM_001407065.1); c.-257C>T (NM_001407067.1).
Identifiers: ClinVar variation 1784201 (VCV001784201.2), dbSNP rs2518225518, ClinGen allele CA2580099429.

ClinVar aggregate classification (germline): Uncertain significance (1 of 4 stars; one submission).

Conditions:
Hereditary cancer-predisposing syndrome. Also called: Neoplastic Syndromes, Hereditary; Tumor predisposition; Hereditary Cancer Syndrome; Hereditary neoplastic syndrome. Identifiers: Orphanet 140162, MedGen C0027672, MeSH D009386, MONDO:0015356.

Submission:

Ambry Genetics
Classification: Uncertain significance for Hereditary cancer-predisposing syndrome. Last evaluated: 2020-10-19. Review status: criteria provided, single submitter. Criteria: Ambry Variant Classification Scheme 2023. Collection method: clinical testing. Allele origin: germline.
Comment: The c.-1C>T variant is located in the 5' untranslated region (5&rsquo; UTR) of the NF2 gene. This variant results from a C to T substitution 1 bases upstream from the first translated codon. This nucleotide position is well conserved in available vertebrate species. Since supporting evidence is limited at this time, the clinical significance of this alteration remains unclear.